The following is an entry in ClinVar:

ClinVar aggregate classification (germline): Uncertain significance. Review status: criteria provided, multiple submitters, no conflicts (2 of 4 stars). 3 submissions from 3 submitters: Uncertain significance (3). Last evaluated 2026-01-09.

Conditions:
Ullrich congenital muscular dystrophy 2 (UCMD2). Identifiers: Orphanet 75840, MedGen C4225314, MONDO:0014654, OMIM 616470.
Bethlem myopathy 2 (BTHLM2). Identifiers: Orphanet 536516, Orphanet 610, MedGen C4225313, MONDO:0034022, OMIM 616471.

Allele frequency attached by ClinVar (database versions not stated): TOPMed below 0.00001; gnomAD 0.00001; gnomAD exomes 0.00001 and 0.00002; ExAC 0.00002.
gnomAD v4.1: 19 of 1,614,130 alleles (0.0012%); highest among the groups gnomAD compares: East Asian, 0.0022%; no homozygotes.

Submissions (3):

Women's Health and Genetics/Laboratory Corporation of America, LabCorp
Classification: Uncertain significance. Last evaluated: 2026-01-09. Review status: criteria provided, single submitter. Criteria: LabCorp Variant Classification Summary - May 2015. Collection method: clinical testing. Allele origin: germline.
Comment: Variant summary: COL12A1 c.5978G>A (p.Arg1993Gln) results in a conservative amino acid change in the encoded protein sequence. Algorithms developed to predict the effect of missense changes on protein structure and function all suggest that this variant is likely to be tolerated. The variant allele was found at a frequency of 2e-05 in 249446 control chromosomes. The available data on variant occurrences in the general population are insufficient to allow any conclusion about variant significance. To our knowledge, no occurrence of c.5978G>A in individuals affected with COL12A1-related conditions and no experimental evidence demonstrating its impact on protein function have been reported. ClinVar contains an entry for this variant (Variation ID: 577823). Based on the evidence outlined above, the variant was classified as uncertain significance.

Labcorp Genetics (formerly Invitae), Labcorp
Classification: Uncertain significance for Bethlem myopathy 2; Ullrich congenital muscular dystrophy 2. Last evaluated: 2024-10-18. Review status: criteria provided, single submitter. Criteria: Invitae Variant Classification Sherloc (09022015). Collection method: clinical testing. Allele origin: germline.
Comment: This sequence change replaces arginine, which is basic and polar, with glutamine, which is neutral and polar, at codon 1993 of the COL12A1 protein (p.Arg1993Gln). This variant is present in population databases (rs748657616, gnomAD 0.004%). This variant has not been reported in the literature in individuals affected with COL12A1-related conditions. ClinVar contains an entry for this variant (Variation ID: 577823). Invitae Evidence Modeling of protein sequence and biophysical properties (such as structural, functional, and spatial information, amino acid conservation, physicochemical variation, residue mobility, and thermodynamic stability) indicates that this missense variant is not expected to disrupt COL12A1 protein function with a negative predictive value of 80%. In summary, the available evidence is currently insufficient to determine the role of this variant in disease. Therefore, it has been classified as a Variant of Uncertain Significance.

GeneDx
Classification: Uncertain significance. Last evaluated: 2024-01-16. Review status: criteria provided, single submitter. Criteria: GeneDx Variant Classification Process June 2021. Collection method: clinical testing. Allele origin: germline. Affected: yes.
Comment: Not observed at significant frequency in large population cohorts (gnomAD); In silico analysis supports that this missense variant does not alter protein structure/function; Has not been previously published as pathogenic or benign to our knowledge

NM_004370.6(COL12A1):c.5978G>A (p.Arg1993Gln)

Gene: COL12A1 (collagen type XII alpha 1 chain; minus strand). Cytogenetic location: 6q13.
Variant type: single nucleotide variant.
Coding change: c.5978G>A on transcript NM_004370.6 (MANE Select); coding-DNA position 5978, G replaced by A.
Protein change: p.Arg1993Gln; replaces arginine 1993 with glutamine.
Molecular consequence: missense variant.
Genome position (GRCh38, 1-based): chr6:75,130,941, C>T on the plus strand (G>A on the coding strand, the complement: COL12A1 is on the minus strand). VCF-style: chr6-75130941-C-T. GRCh37 (hg19) VCF-style: chr6-75840657-C-T.
Other names: c.2486G>A, p.Arg829Gln (NM_080645.3); short protein forms R1993Q, R829Q.
Identifiers: ClinVar variation 577823 (VCV000577823.11), dbSNP rs748657616, ClinGen allele CA3892937.